The following is an entry in ClinVar:

NC_000023.10:g.(?_107782976)_(107858254_?)del

Gene: COL4A5 (collagen type IV alpha 5 chain; plus strand). Cytogenetic location: Xq22.3.
Variant type: Deletion.
Identifiers: ClinVar variation 1076343 (VCV001076343.5).

ClinVar aggregate classification (germline): Pathogenic (1 of 4 stars; one submission).

Submission:

Labcorp Genetics (formerly Invitae), Labcorp
Classification: Pathogenic. Last evaluated: 2020-04-28. Review status: criteria provided, single submitter. Criteria: Invitae Variant Classification Sherloc (09022015). Collection method: clinical testing. Allele origin: germline.
Comment: For these reasons, this variant has been classified as Pathogenic. Loss-of-function variants in COL4A5 are known to be pathogenic (PMID: 9195222, 10752524, 14514738, 24854265, 26809805). This variant has not been reported in the literature in individuals with COL4A5-related conditions. This variant is an out-of-frame deletion of the genomic region encompassing exon(s) 2-30 of the COL4A5 gene. This is expected to create a premature translational stop signal and result in an absent or disrupted protein product.

Literature cited by the submitters: PubMed 9195222; PubMed 10752524; PubMed 14514738; PubMed 24854265; PubMed 26809805.